The following is an entry in ClinVar:

ClinVar aggregate classification (germline): Uncertain significance (1 of 4 stars; one submission).

Allele frequency attached by ClinVar (database versions not stated): gnomAD exomes below 0.00001 and 0.00001; gnomAD 0.00001; TOPMed 0.00001.
gnomAD v4.1: 19 of 1,560,070 alleles (0.0012%); highest among the groups gnomAD compares: Non-Finnish European, 0.0015%; no homozygotes.

Submission:

Labcorp Genetics (formerly Invitae), Labcorp
Classification: Uncertain significance. Last evaluated: 2022-07-25. Review status: criteria provided, single submitter. Criteria: Invitae Variant Classification Sherloc (09022015). Collection method: clinical testing. Allele origin: germline.
Comment: This sequence change falls in intron 6 of the ASAH1 gene. It does not directly change the encoded amino acid sequence of the ASAH1 protein. It affects a nucleotide within the consensus splice site. The frequency data for this variant in the population databases is considered unreliable, as metrics indicate poor data quality at this position in the gnomAD database. This variant has not been reported in the literature in individuals affected with ASAH1-related conditions. ClinVar contains an entry for this variant (Variation ID: 1017108). Variants that disrupt the consensus splice site are a relatively common cause of aberrant splicing (PMID: 17576681, 9536098). Algorithms developed to predict the effect of sequence changes on RNA splicing suggest that this variant is not likely to affect RNA splicing. In summary, the available evidence is currently insufficient to determine the role of this variant in disease. Therefore, it has been classified as a Variant of Uncertain Significance.

Literature cited by the submitters: PubMed 17576681; PubMed 9536098.

NM_177924.5(ASAH1):c.457+5T>C

Gene: ASAH1 (N-acylsphingosine amidohydrolase 1; minus strand). Cytogenetic location: 8p22.
Variant type: single nucleotide variant.
Coding change: c.457+5T>C on transcript NM_177924.5 (MANE Select); 5 bases into the intron after coding-DNA position 457, T replaced by C.
Molecular consequence: intron variant.
Genome position (GRCh38, 1-based): chr8:18,064,452, A>G on the plus strand (T>C on the coding strand, the complement: ASAH1 is on the minus strand). VCF-style: chr8-18064452-A-G. GRCh37 (hg19) VCF-style: chr8-17921961-A-G.
Other names: c.505+5T>C (NM_004315.6); c.439+5T>C (NM_001127505.3); c.262+5T>C (NM_001363743.2).
Identifiers: ClinVar variation 1017108 (VCV001017108.2), dbSNP rs1226324675, ClinGen allele CA580091717.